The following is an entry in ClinVar:

ClinVar aggregate classification (germline): Likely benign. Review status: criteria provided, multiple submitters, no conflicts (2 of 4 stars). 3 submissions from 3 submitters: Likely benign (2). 1 of the submissions does not count toward it. Last evaluated 2025-12-01.

Conditions:
Kabuki syndrome. Also called: NIIKAWA-KUROKI SYNDROME; Kabuki make-up syndrome. Identifiers: Orphanet 2322, MedGen C0796004, MONDO:0016512.
KMT2D-related disorder. Also called: KMT2D-Related Disorders.

Allele frequency attached by ClinVar (database versions not stated): gnomAD exomes 0.00004; ExAC 0.00006.
gnomAD v4.1: 23 of 1,613,942 alleles (0.0014%); highest among the groups gnomAD compares: South Asian, 0.015%; no homozygotes.

Submissions (3):

Labcorp Genetics (formerly Invitae), Labcorp
Classification: Likely benign for Kabuki syndrome. Last evaluated: 2025-12-01. Review status: criteria provided, single submitter. Criteria: Invitae Variant Classification Sherloc (09022015). Collection method: clinical testing. Allele origin: germline.

Genetic Services Laboratory, University of Chicago
Classification: Likely benign. Last evaluated: 2017-11-20. Review status: criteria provided, single submitter. Criteria: ACMG Guidelines, 2015. Collection method: clinical testing. Allele origin: germline. Affected: no.

PreventionGenetics, part of Exact Sciences
Classification: Likely benign for KMT2D-related condition. Last evaluated: 2021-12-01. Review status: no assertion criteria provided. Collection method: clinical testing. Allele origin: germline. Not counted in ClinVar's aggregate classification.
Comment: This variant is classified as likely benign based on ACMG/AMP sequence variant interpretation guidelines (Richards et al. 2015 PMID: 25741868, with internal and published modifications).

NM_003482.4(KMT2D):c.13560G>A (p.Pro4520=)

Gene: KMT2D (lysine methyltransferase 2D; minus strand). Cytogenetic location: 12q13.12.
Variant type: single nucleotide variant.
Coding change: c.13560G>A on transcript NM_003482.4 (MANE Select); coding-DNA position 13560, G replaced by A.
Protein change: p.Pro4520=; no amino-acid change (proline 4520 retained).
Molecular consequence: synonymous variant.
Genome position (GRCh38, 1-based): chr12:49,031,004, C>T on the plus strand (G>A on the coding strand, the complement: KMT2D is on the minus strand). VCF-style: chr12-49031004-C-T. GRCh37 (hg19) VCF-style: chr12-49424787-C-T.
Identifiers: ClinVar variation 1336403 (VCV001336403.10), dbSNP rs758268996, ClinGen allele CA6545976.